The following is an entry in ClinVar:

NM_003126.4(SPTA1):c.5221T>A (p.Tyr1741Asn)

Gene: SPTA1 (spectrin alpha, erythrocytic 1; minus strand). Cytogenetic location: 1q23.1.
Variant type: single nucleotide variant.
Coding change: c.5221T>A on transcript NM_003126.4 (MANE Select); coding-DNA position 5221, T replaced by A.
Protein change: p.Tyr1741Asn; replaces tyrosine 1741 with asparagine.
Molecular consequence: missense variant.
Genome position (GRCh38, 1-based): chr1:158,636,730, A>T on the plus strand (T>A on the coding strand, the complement: SPTA1 is on the minus strand). VCF-style: chr1-158636730-A-T. GRCh37 (hg19) VCF-style: chr1-158606520-A-T.
Other names: short protein forms Y1741N.
Identifiers: ClinVar variation 2784103 (VCV002784103.3), dbSNP rs572009824, ClinGen allele CA343027428.
Genomic context (GRCh38, chr1:158,636,730, plus strand): 5'-CCCCCTCTAGGCGTTTGTGCTTCTTCAGCAAGTTCTGAACCCCCTGAAGATCTCTCCCAT[A>T]GTCCTGGGAGCTCACTCGTATCAACTTCTCCCTAAAATCAAGGAAGAAAACAGAAAGTTT-3'
Protein context (NP_003117.2, residues 1731-1751): EKLIRVSSQD[Tyr1741Asn]GRDLQGVQNL

ClinVar aggregate classification (germline): Uncertain significance (1 of 4 stars; one submission).

gnomAD v4.1: 24 of 1,614,110 alleles (0.0015%); highest among the groups gnomAD compares: Non-Finnish European, 0.002%; no homozygotes.

Submission:

Labcorp Genetics (formerly Invitae), Labcorp
Classification: Uncertain significance. Last evaluated: 2023-04-22. Review status: criteria provided, single submitter. Criteria: Invitae Variant Classification Sherloc (09022015). Collection method: clinical testing. Allele origin: germline.
Comment: In summary, the available evidence is currently insufficient to determine the role of this variant in disease. Therefore, it has been classified as a Variant of Uncertain Significance. Advanced modeling of protein sequence and biophysical properties (such as structural, functional, and spatial information, amino acid conservation, physicochemical variation, residue mobility, and thermodynamic stability) has been performed at Invitae for this missense variant, however the output from this modeling did not meet the statistical confidence thresholds required to predict the impact of this variant on SPTA1 protein function. This variant has not been reported in the literature in individuals affected with SPTA1-related conditions. This variant is present in population databases (no rsID available, gnomAD 0.0009%). This sequence change replaces tyrosine, which is neutral and polar, with asparagine, which is neutral and polar, at codon 1741 of the SPTA1 protein (p.Tyr1741Asn).